The following is an entry in ClinVar:

ClinVar aggregate classification (germline): Uncertain significance (1 of 4 stars; one submission).

Conditions:
Primary ciliary dyskinesia. Also called: Ciliary dyskinesia. Identifiers: Orphanet 244, MedGen C0008780, MONDO:0016575, HP:0012265.

Submission:

Labcorp Genetics (formerly Invitae), Labcorp
Classification: Uncertain significance for Primary ciliary dyskinesia. Last evaluated: 2024-04-04. Review status: criteria provided, single submitter. Criteria: Invitae Variant Classification Sherloc (09022015). Collection method: clinical testing. Allele origin: germline.
Comment: This sequence change replaces cysteine, which is neutral and slightly polar, with tyrosine, which is neutral and polar, at codon 356 of the RPGR protein (p.Cys356Tyr). This variant is not present in population databases (gnomAD no frequency). This variant has not been reported in the literature in individuals affected with RPGR-related conditions. Advanced modeling of protein sequence and biophysical properties (such as structural, functional, and spatial information, amino acid conservation, physicochemical variation, residue mobility, and thermodynamic stability) performed at Invitae indicates that this missense variant is expected to disrupt RPGR protein function with a positive predictive value of 95%. In summary, the available evidence is currently insufficient to determine the role of this variant in disease. Therefore, it has been classified as a Variant of Uncertain Significance.

NM_001034853.2(RPGR):c.1067G>A (p.Cys356Tyr)

Gene: RPGR (retinitis pigmentosa GTPase regulator; minus strand). Cytogenetic location: Xp11.4.
Variant type: single nucleotide variant.
Coding change: c.1067G>A on transcript NM_001034853.2 (MANE Select); coding-DNA position 1067, G replaced by A.
Protein change: p.Cys356Tyr; replaces cysteine 356 with tyrosine.
Molecular consequence: missense variant. On other transcripts: non-coding transcript variant (6), intron variant (2).
Genome position (GRCh38, 1-based): chrX:38,299,134, C>T on the plus strand (G>A on the coding strand, the complement: RPGR is on the minus strand). VCF-style: chrX-38299134-C-T. GRCh37 (hg19) VCF-style: chrX-38158387-C-T.
Other names: c.1060-1682G>A (NM_001367251.1, NM_001367246.1); c.1064G>A, p.Cys355Tyr (NM_001367245.1, NM_001367249.1, NM_001367250.1); c.1067G>A, p.Cys356Tyr (NM_001367247.1, NM_000328.3); c.1097G>A, p.Cys366Tyr (NM_001367248.1); short protein forms C355Y, C356Y, C366Y.
Identifiers: ClinVar variation 3642820 (VCV003642820.2).
Genomic context (GRCh38, chrX:38,299,134, plus strand): 5'-TCAATTTCTTTTGCCACACCACGATGAGGAGCAGCAAAAACTACCATGTGACATCCACCA[C>T]AAGCAACCTGCAGCATAAATCCACAGAAAAACTCATCAACATTGGCTTCAAACACAAATG-3'
Protein context (NP_001030025.1, residues 346-366): FLRFIVKLVA[Cys356Tyr]GGCHMVVFAA